The following is an entry in ClinVar:

ClinVar aggregate classification (germline): Pathogenic. Review status: criteria provided, single submitter (1 of 4 stars). 4 submissions from 3 submitters: Pathogenic (1). 3 of the submissions do not count toward it. Last evaluated 2023-07-19.

Conditions:
Alpha-1-antitrypsin deficiency (A1ATD). Also called: AAT deficiency; A1AT deficiency; Alpha1-Antitrypsin Deficiency. Identifiers: Orphanet 60, MedGen C0221757, MONDO:0013282, OMIM 613490.
PI Q0(GRANITE FALLS).

Allele frequency attached by ClinVar (database versions not stated): gnomAD exomes below 0.00001; gnomAD 0.00001; TOPMed 0.00001.

Submissions (4):

Labcorp Genetics (formerly Invitae), Labcorp
Classification: Pathogenic for Alpha-1-antitrypsin deficiency. Last evaluated: 2023-07-19. Review status: criteria provided, single submitter. Criteria: Invitae Variant Classification Sherloc (09022015). Collection method: clinical testing. Allele origin: germline.
Comment: For these reasons, this variant has been classified as Pathogenic. ClinVar contains an entry for this variant (Variation ID: 17976). This variant is also known as a single deletion in the codon for amino acid Tyr160. This premature translational stop signal has been observed in individual(s) with SERPINA1-related conditions (PMID: 18024524). This variant is not present in population databases (gnomAD no frequency). This sequence change creates a premature translational stop signal (p.Tyr184*) in the SERPINA1 gene. It is expected to result in an absent or disrupted protein product. Loss-of-function variants in SERPINA1 are known to be pathogenic (PMID: 25425243).

OMIM
Classification: other for PI Q0(GRANITE FALLS). Last evaluated: 2016-07-15. Review status: no assertion criteria provided. Collection method: literature only. Allele origin: germline. Not counted in ClinVar's aggregate classification.

Department of Laboratory Medicine and Genetics, Trillium Health Partners Credit Valley Hospital
Classification: Pathogenic for Alpha-1-antitrypsin deficiency. Last evaluated: 2014-12-08. Review status: no assertion criteria provided. Collection method: curation. Allele origin: germline. Affected: yes. Not counted in ClinVar's aggregate classification.

OMIM
Classification: Pathogenic for PI NULL(GRANITE FALLS). Last evaluated: 1987-09-05. Review status: no assertion criteria provided. Collection method: literature only. Allele origin: germline. Not counted in ClinVar's aggregate classification.

Literature cited by the submitters: PubMed 18024524 (cited by Labcorp Genetics (formerly Invitae), Labcorp); PubMed 25425243 (cited by Labcorp Genetics (formerly Invitae), Labcorp); PubMed 3040726 (cited by OMIM).

NM_000295.5(SERPINA1):c.552del (p.Asp183_Tyr184insTer)

Gene: SERPINA1 (serpin family A member 1; minus strand). Cytogenetic location: 14q32.13.
Variant type: Deletion.
Coding change: c.552del on transcript NM_000295.5 (MANE Select); coding-DNA position 552, one base deleted (C; older notation c.552delC).
Protein change: p.Asp183_Tyr184insTer.
Molecular consequence: nonsense.
Genome position (GRCh38, 1-based): chr14:94,382,686, G deleted on the plus strand (C on the coding strand, the reverse complement: SERPINA1 is on the minus strand). VCF-style (leftmost placement, unchanged base first): chr14-94382685-CG-C. GRCh37 (hg19) VCF-style: chr14-94849022-CG-C.
Other names: PI Q0(GRANITE FALLS); Y160*; SERPINA1, TYR160TER ON M1A; c.552del, p.Asp183_Tyr184insTer (NM_001002235.3, NM_001002236.3, NM_001127700.2 and 7 more transcripts).
Identifiers: ClinVar variation 17976 (VCV000017976.10), dbSNP rs267606950, ClinGen allele CA127692.